The following is an entry in ClinVar:

ClinVar aggregate classification (germline): Uncertain significance (1 of 4 stars; one submission).

Conditions:
Fanconi anemia (FA). Also called: Fanconi's anemia. Identifiers: Orphanet 84, MedGen C0015625, MeSH D005199, MONDO:0019391.

Submission:

Labcorp Genetics (formerly Invitae), Labcorp
Classification: Uncertain significance for Fanconi anemia. Last evaluated: 2025-10-28. Review status: criteria provided, single submitter. Criteria: Invitae Variant Classification Sherloc (09022015). Collection method: clinical testing. Allele origin: germline.
Comment: This sequence change replaces leucine, which is neutral and non-polar, with arginine, which is basic and polar, at codon 1262 of the SLX4 protein (p.Leu1262Arg). This variant is not present in population databases (gnomAD no frequency). This variant has not been reported in the literature in individuals affected with SLX4-related conditions. An algorithm developed to predict the effect of missense changes on protein structure and function (PolyPhen-2) suggests that this variant is likely to be disruptive. In summary, the available evidence is currently insufficient to determine the role of this variant in disease. Therefore, it has been classified as a Variant of Uncertain Significance.

NM_032444.4(SLX4):c.3785T>G (p.Leu1262Arg)

Gene: SLX4 (SLX4 structure-specific endonuclease subunit; minus strand). Cytogenetic location: 16p13.3.
Variant type: single nucleotide variant.
Coding change: c.3785T>G on transcript NM_032444.4 (MANE Select); coding-DNA position 3785, T replaced by G.
Protein change: p.Leu1262Arg; replaces leucine 1262 with arginine.
Molecular consequence: missense variant.
Genome position (GRCh38, 1-based): chr16:3,589,853, A>C on the plus strand (T>G on the coding strand, the complement: SLX4 is on the minus strand). VCF-style: chr16-3589853-A-C. GRCh37 (hg19) VCF-style: chr16-3639854-A-C.
Other names: short protein forms L1262R.
Identifiers: ClinVar variation 4808851 (VCV004808851.1).